The following is an entry in ClinVar:

NM_014363.6(SACS):c.11265_11266del (p.Ile3755fs)

Gene: SACS (sacsin molecular chaperone; minus strand). Cytogenetic location: 13q12.12.
Variant type: Microsatellite.
Coding change: c.11265_11266del on transcript NM_014363.6 (MANE Select); coding-DNA positions 11265 to 11266, 2 bases deleted (AT; older notation c.11265_11266delAT).
Protein change: p.Ile3755fs; shifts the reading frame from isoleucine 3755.
Molecular consequence: frameshift variant.
Genome position (GRCh38, 1-based): chr13:23,332,610-23,332,611, AT deleted on the plus strand (AT on the coding strand, the reverse complement: SACS is on the minus strand); deleting any 2 consecutive bases within chr13:23,332,610-23,332,613 gives the same sequence; the c. name uses the placement nearest the transcript's 3' end. VCF-style (leftmost placement, unchanged base first): chr13-23332609-CAT-C. GRCh37 (hg19) VCF-style: chr13-23906748-CAT-C.
Other names: c.10824_10825del, p.Ile3608fs (NM_001278055.2); short protein forms I3608fs, I3755fs.
Identifiers: ClinVar variation 550274 (VCV000550274.17), dbSNP rs1400601705, ClinGen allele CA658823543.

ClinVar aggregate classification (germline): Pathogenic. Review status: criteria provided, multiple submitters, no conflicts (2 of 4 stars). 7 submissions from 7 submitters: Pathogenic (6). 1 of the submissions does not count toward it. Last evaluated 2024-03-12.

Conditions:
Spastic paraplegia. Identifiers: MedGen C0037772, HP:0001258.
Charlevoix-Saguenay spastic ataxia (SACS). Also called: SPASTIC ATAXIA 6, AUTOSOMAL RECESSIVE; Spastic ataxia of Charlevoix-Saguenay; AUTOSOMAL RECESSIVE SPASTIC ATAXIA OF CHARLEVOIX-SAGUENAY. Identifiers: Orphanet 98, MedGen C1849140, MONDO:0010041, OMIM 270550.

Submissions (7):

Labcorp Genetics (formerly Invitae), Labcorp
Classification: Pathogenic for Spastic paraplegia. Last evaluated: 2024-03-12. Review status: criteria provided, single submitter. Criteria: Invitae Variant Classification Sherloc (09022015). Collection method: clinical testing. Allele origin: germline.
Comment: This sequence change creates a premature translational stop signal (p.Ile3755Metfs*8) in the SACS gene. While this is not anticipated to result in nonsense mediated decay, it is expected to disrupt the last 825 amino acid(s) of the SACS protein. This variant is not present in population databases (gnomAD no frequency). This premature translational stop signal has been observed in individual(s) with hereditary spastic paraplegia (PMID: 20876471, 22805644, 26288984, 29538656). In at least one individual the data is consistent with being in trans (on the opposite chromosome) from a pathogenic variant. This variant is also known as p.I3755Mfs*7. ClinVar contains an entry for this variant (Variation ID: 550274). For these reasons, this variant has been classified as Pathogenic.

PROSPAX: an integrated multimodal progression  chart in spastic ataxias, Center for Neurology; Hertie-Institute for Clinical Brain Research
Classification: Pathogenic for Charlevoix-Saguenay spastic ataxia. Last evaluated: 2022-01-01. Review status: criteria provided, single submitter. Criteria: ACMG Guidelines, 2015. Collection method: research. Allele origin: germline. Affected: yes. Observed: 1 variant allele, 1 homozygote.

Genome-Nilou Lab
Classification: Pathogenic for Charlevoix-Saguenay spastic ataxia. Last evaluated: 2021-09-05. Review status: criteria provided, single submitter. Criteria: ACMG Guidelines, 2015. Collection method: clinical testing. Allele origin: germline. Affected: no.

Victorian Clinical Genetics Services, Murdoch Childrens Research Institute
Classification: Pathogenic for Charlevoix-Saguenay spastic ataxia. Last evaluated: 2021-05-06. Review status: criteria provided, single submitter. Criteria: ACMG Guidelines, 2015. Collection method: clinical testing. Allele origin: germline. Inheritance: Autosomal recessive inheritance. Affected: yes.
Comment: Based on the classification scheme VCGS_Germline_v1.3.4, this variant is classified as Pathogenic. Following criteria are met: 0102 - Loss of function is a known mechanism of disease in this gene and is associated with autosomal recessive spastic ataxia of Charlevoix–Saguenay (ARSACS) (MIM#270550). (I) 0106 - This gene is associated with autosomal recessive disease. (I) 0205 - Variant is predicted to result in a truncated protein (premature termination codon is NOT located at least 54 nucleotides upstream of the final exon-exon junction) with less than 1/3 of the protein sequence affected. (SP) 0251 - This variant is heterozygous. (I) 0304 - Variant is present in gnomAD <0.01 for a recessive condition (v3: 1 heterozygote, 0 homozygotes). (SP) 0701 - Other downstream truncating variants comparable to the one identified in this case have very strong previous evidence for pathogenicity (Clinvar). (SP) 0801 - This variant has strong previous evidence of pathogenicity in unrelated individuals. It has been reported in at least four autosomal recessive spastic ataxia of Charlevoix–Saguenay (ARSACS) patients and has been classified as pathogenic by diagnostic laboratories in ClinVar (PMID: 20876471, 22805644, 26288984, 29538656). (SP) 1208 - Inheritance information for this variant is not currently available in this individual. (I) Legend: (SP) - Supporting pathogenic, (I) - Information, (SB) - Supporting benign

Institute of Medical Genetics and Applied Genomics, University Hospital Tübingen
Classification: Pathogenic. Last evaluated: 2021-02-01. Review status: criteria provided, single submitter. Criteria: ACMG Guidelines, 2015. Collection method: clinical testing. Allele origin: germline. Inheritance: Autosomal recessive inheritance. Affected: yes.

Paris Brain Institute, Inserm - ICM
Classification: Pathogenic for Charlevoix-Saguenay spastic ataxia. Review status: criteria provided, single submitter. Criteria: ACMG Guidelines, 2015. Collection method: clinical testing. Allele origin: unknown. Affected: yes. Observed: 2 variant alleles.

Counsyl
Classification: Pathogenic for Charlevoix-Saguenay spastic ataxia. Last evaluated: 2016-12-27. Review status: no assertion criteria provided. Collection method: clinical testing. Allele origin: unknown. Not counted in ClinVar's aggregate classification.

Literature cited by the submitters: PubMed 20876471 (cited by 3 submitters); PubMed 22805644 (cited by 3 submitters); PubMed 26288984 (cited by Labcorp Genetics (formerly Invitae), Labcorp and Victorian Clinical Genetics Services, Murdoch Childrens Research Institute); PubMed 29538656 (cited by Labcorp Genetics (formerly Invitae), Labcorp and Victorian Clinical Genetics Services, Murdoch Childrens Research Institute).